The following is an entry in ClinVar:

NM_020911.2(PLXNA4):c.3656T>A (p.Met1219Lys)

Gene: PLXNA4 (plexin A4; minus strand). Cytogenetic location: 7q32.3.
Variant type: single nucleotide variant.
Coding change: c.3656T>A on transcript NM_020911.2 (MANE Select); coding-DNA position 3656, T replaced by A.
Protein change: p.Met1219Lys; replaces methionine 1219 with lysine.
Molecular consequence: missense variant.
Genome position (GRCh38, 1-based): chr7:132,179,905, A>T on the plus strand (T>A on the coding strand, the complement: PLXNA4 is on the minus strand). VCF-style: chr7-132179905-A-T. GRCh37 (hg19) VCF-style: chr7-131864664-A-T.
Other names: c.3656T>A, p.Met1219Lys (NM_001393897.1); short protein forms M1219K.
Identifiers: ClinVar variation 3357040 (VCV003357040.1).

ClinVar aggregate classification (germline): Uncertain significance (0 of 4 stars; one submission).

Conditions:
PLXNA4-related disorder. Also called: PLXNA4-related condition.

Submission:

PreventionGenetics, part of Exact Sciences
Classification: Uncertain significance for PLXNA4-related condition. Last evaluated: 2024-04-11. Review status: no assertion criteria provided. Collection method: clinical testing. Allele origin: germline.
Comment: The PLXNA4 c.3656T>A variant is predicted to result in the amino acid substitution p.Met1219Lys. To our knowledge, this variant has not been reported in the literature. This variant is reported in 0.098% of alleles in individuals of Ashkenazi Jewish descent in gnomAD. At this time, the clinical significance of this variant is uncertain due to the absence of conclusive functional and genetic evidence.